The following is an entry in ClinVar:

NM_138477.4(CDAN1):c.1796A>G (p.Asn599Ser)

Gene: CDAN1 (codanin 1; minus strand). Cytogenetic location: 15q15.2.
Variant type: single nucleotide variant.
Coding change: c.1796A>G on transcript NM_138477.4 (MANE Select); coding-DNA position 1796, A replaced by G.
Protein change: p.Asn599Ser; replaces asparagine 599 with serine.
Molecular consequence: missense variant.
Genome position (GRCh38, 1-based): chr15:42,731,275, T>C on the plus strand (A>G on the coding strand, the complement: CDAN1 is on the minus strand). VCF-style: chr15-42731275-T-C. GRCh37 (hg19) VCF-style: chr15-43023473-T-C.
Other names: N598S; c.1796A>G, p.Asn599Ser (LRG_1164t1); short protein forms N599S.
Identifiers: ClinVar variation 3178 (VCV000003178.5), dbSNP rs120074166, ClinGen allele CA252608.

ClinVar aggregate classification (germline): Likely pathogenic. Review status: criteria provided, multiple submitters, no conflicts (2 of 4 stars). 3 submissions from 3 submitters: Likely pathogenic (2). 1 of the submissions does not count toward it. Last evaluated 2024-08-23.

Conditions:
Anemia, congenital dyserythropoietic, type 1a (CDAN1A). Also called: DYSERYTHROPOIETIC ANEMIA, CONGENITAL, TYPE Ia; CDAN1-Related Congenital Dyserythropoietic Anemia. Identifiers: MedGen C5574667, MONDO:0009135, OMIM 224120.
Congenital dyserythropoietic anemia, type I. Also called: Dyserythropoietic anemia, congenital type 1. Identifiers: Orphanet 98869, MedGen C0271933, MONDO:0020337. Disease mechanism: loss of function.

Allele frequency attached by ClinVar (database versions not stated): gnomAD 0.00001; gnomAD exomes 0.00001; TOPMed 0.00002.
gnomAD v4.1: 35 of 1,614,046 alleles (0.0022%); highest among the groups gnomAD compares: Admixed American, 0.005%; no homozygotes.

Submissions (3):

Greenwood Genetic Center Diagnostic Laboratories, Greenwood Genetic Center
Classification: Likely pathogenic for Anemia, congenital dyserythropoietic, type 1a. Last evaluated: 2024-08-23. Review status: criteria provided, single submitter. Criteria: ACMG Guidelines, 2015. Collection method: clinical testing. Allele origin: germline. Affected: yes.
Comment: PM2, PM3, PP3, PS3_Supporting

Fulgent Genetics
Classification: Likely pathogenic for Anemia, congenital dyserythropoietic, type 1a. Last evaluated: 2024-02-08. Review status: criteria provided, single submitter. Criteria: ACMG Guidelines, 2015. Collection method: clinical testing. Allele origin: germline.

OMIM
Classification: Pathogenic for ANEMIA, CONGENITAL DYSERYTHROPOIETIC, TYPE Ia. Last evaluated: 2003-07-01. Review status: no assertion criteria provided. Collection method: literature only. Allele origin: germline. Not counted in ClinVar's aggregate classification.

Literature cited by the submitters: PubMed 12434312 (cited by OMIM); PubMed 12825070 (cited by OMIM).